The following is an entry in ClinVar:

NM_130384.3(ATRIP):c.1028C>T (p.Thr343Ile)

Genes: ATRIP (ATR interacting protein; plus strand), ATRIP-TREX1 (ATRIP-TREX1 readthrough; plus strand). Cytogenetic location: 3p21.31.
Variant type: single nucleotide variant.
Coding change: c.1028C>T on transcript NM_130384.3 (MANE Select); coding-DNA position 1028, C replaced by T.
Protein change: p.Thr343Ile; replaces threonine 343 with isoleucine.
Molecular consequence: missense variant. On other transcripts: non-coding transcript variant (1).
Genome position (GRCh38, 1-based): chr3:48,459,889, C>T. VCF-style: chr3-48459889-C-T. GRCh37 (hg19) VCF-style: chr3-48501288-C-T.
Other names: c.647C>T, p.Thr216Ile (NM_001271022.2); c.749C>T, p.Thr250Ile (NM_001271023.2); c.1028C>T, p.Thr343Ile (NM_032166.4); short protein forms T216I, T343I, T250I.
Identifiers: ClinVar variation 3976812 (VCV003976812.1).

ClinVar aggregate classification (germline): Uncertain significance (1 of 4 stars; one submission).

gnomAD v4.1: 1 of 1,613,636 alleles (0.000062%); highest among the groups gnomAD compares: Admixed American, 0.0017%; no homozygotes.

Submission:

Ambry Genetics
Classification: Uncertain significance. Last evaluated: 2025-05-24. Review status: criteria provided, single submitter. Criteria: Ambry Variant Classification Scheme 2023. Collection method: clinical testing. Allele origin: germline.
Comment: The p.T343I variant (also known as c.1028C>T), located in coding exon 7 of the ATRIP gene, results from a C to T substitution at nucleotide position 1028. The threonine at codon 343 is replaced by isoleucine, an amino acid with similar properties. This amino acid position is conserved. In addition, this alteration is predicted to be tolerated by in silico analysis. Based on the available evidence, the clinical significance of this variant remains unclear.